The following is an entry in ClinVar:

ClinVar aggregate classification (germline): Uncertain significance. Review status: criteria provided, multiple submitters, no conflicts (2 of 4 stars). 5 submissions from 5 submitters: Uncertain significance (4). 1 of the submissions does not count toward it. Last evaluated 2026-02-04.

Conditions:
Hereditary nonpolyposis colorectal neoplasms. Identifiers: MedGen C0009405, MeSH D003123.
Hereditary cancer-predisposing syndrome. Also called: Neoplastic Syndromes, Hereditary; Hereditary Cancer Syndrome; Hereditary neoplastic syndrome; Tumor predisposition. Identifiers: Orphanet 140162, MedGen C0027672, MeSH D009386, MONDO:0015356.
Lynch syndrome 5 (LYNCH5). Also called: Colorectal cancer, hereditary nonpolyposis, type 5; Hereditary non-polyposis colorectal cancer, type 5. Identifiers: Orphanet 144, MedGen C1833477, MONDO:0013710, OMIM 614350. Disease mechanism: loss of function.

gnomAD v4.1: 1 of 1,530,904 alleles (0.000065%); highest among the groups gnomAD compares: Non-Finnish European, 0.000088%; no homozygotes.

Submissions (5):

Labcorp Genetics (formerly Invitae), Labcorp
Classification: Uncertain significance for Hereditary nonpolyposis colorectal neoplasms. Last evaluated: 2026-02-04. Review status: criteria provided, single submitter. Criteria: Invitae Variant Classification Sherloc (09022015). Collection method: clinical testing. Allele origin: germline.
Comment: This sequence change replaces proline, which is neutral and non-polar, with threonine, which is neutral and polar, at codon 59 of the MSH6 protein (p.Pro59Thr). This variant is not present in population databases (gnomAD no frequency). This variant has not been reported in the literature in individuals affected with MSH6-related conditions. ClinVar contains an entry for this variant (Variation ID: 202200). Invitae Evidence Modeling of protein sequence and biophysical properties (such as structural, functional, and spatial information, amino acid conservation, physicochemical variation, residue mobility, and thermodynamic stability) indicates that this missense variant is not expected to disrupt MSH6 protein function with a negative predictive value of 95%. In summary, the available evidence is currently insufficient to determine the role of this variant in disease. Therefore, it has been classified as a Variant of Uncertain Significance.

Ambry Genetics
Classification: Uncertain significance for Hereditary cancer-predisposing syndrome. Last evaluated: 2024-09-03. Review status: criteria provided, single submitter. Criteria: Ambry Variant Classification Scheme 2023. Collection method: clinical testing. Allele origin: germline.
Comment: The p.P59T variant (also known as c.175C>A), located in coding exon 1 of the MSH6 gene, results from a C to A substitution at nucleotide position 175. The proline at codon 59 is replaced by threonine, an amino acid with highly similar properties. This amino acid position is well conserved in available vertebrate species. In addition, this alteration is predicted to be tolerated by in silico analysis. Based on the available evidence, the clinical significance of this variant remains unclear.

Color Diagnostics, LLC DBA Color Health
Classification: Uncertain significance for Hereditary cancer-predisposing syndrome. Last evaluated: 2023-01-04. Review status: criteria provided, single submitter. Criteria: ACMG Guidelines, 2015. Collection method: clinical testing. Allele origin: germline.
Comment: This missense variant replaces proline with threonine at codon 59 of the MSH6 protein. Computational prediction suggests that this variant may not impact protein structure and function (internally defined REVEL score threshold <= 0.5, PMID: 27666373). To our knowledge, functional studies have not been reported for this variant. This variant has not been reported in individuals affected with MSH6-related disorders in the literature. This variant has not been identified in the general population by the Genome Aggregation Database (gnomAD). The available evidence is insufficient to determine the role of this variant in disease conclusively. Therefore, this variant is classified as a Variant of Uncertain Significance.

Women's Health and Genetics/Laboratory Corporation of America, LabCorp
Classification: Uncertain significance. Last evaluated: 2021-04-25. Review status: criteria provided, single submitter. Criteria: LabCorp Variant Classification Summary - May 2015. Collection method: clinical testing. Allele origin: germline.
Comment: Variant summary: MSH6 c.175C>A (p.Pro59Thr) results in a non-conservative amino acid change located in the PWWP domain (IPR000313) of the encoded protein sequence. Four of five in-silico tools predict a benign effect of the variant on protein function. The variant was absent in 133738 control chromosomes. The available data on variant occurrences in the general population are insufficient to allow any conclusion about variant significance. c.175C>A has been reported in the literature as a VUS in a study of BRCA1/2 negative high risk hereditary breast and/or ovarian cancer patients undergoing multigene panel (example, Schubert_2019). This report does not provide unequivocal conclusions about association of the variant with Lynch Syndrome. To our knowledge, no experimental evidence demonstrating an impact on protein function has been reported. Three clinical diagnostic laboratories have submitted clinical-significance assessments for this variant to ClinVar after 2014 without evidence for independent evaluation. All laboratories classified the variant as uncertain significance. Based on the evidence outlined above, the variant was classified as uncertain significance.

Mendelics
Classification: Uncertain significance for Lynch syndrome 5. Last evaluated: 2016-05-13. Review status: no assertion criteria provided. Collection method: clinical testing. Allele origin: unknown. Affected: yes. Not counted in ClinVar's aggregate classification.

Literature cited by the submitters: PubMed 30426508 (cited by Women's Health and Genetics/Laboratory Corporation of America, LabCorp); PubMed 9390556 (cited by Mendelics); PubMed 20301390 (cited by Mendelics).

NM_000179.3(MSH6):c.175C>A (p.Pro59Thr)

Gene: MSH6 (mutS homolog 6; plus strand). Cytogenetic location: 2p16.3.
Variant type: single nucleotide variant.
Coding change: c.175C>A on transcript NM_000179.3 (MANE Select); coding-DNA position 175, C replaced by A.
Protein change: p.Pro59Thr; replaces proline 59 with threonine.
Molecular consequence: missense variant. On other transcripts: 5 prime UTR variant (1).
Genome position (GRCh38, 1-based): chr2:47,783,408, C>A. VCF-style: chr2-47783408-C-A. GRCh37 (hg19) VCF-style: chr2-48010547-C-A.
Other names: c.175C>A, p.Pro59Thr (NM_001281492.2); c.-562C>A (NM_001281493.2); short protein forms P59T.
Identifiers: ClinVar variation 202200 (VCV000202200.16), dbSNP rs761033647, ClinGen allele CA009135.